The following is an entry in ClinVar:

ClinVar aggregate classification (germline): Uncertain significance (1 of 4 stars; one submission).

Conditions:
Hereditary cancer-predisposing syndrome. Also called: Neoplastic Syndromes, Hereditary; Tumor predisposition; Hereditary Cancer Syndrome; Hereditary neoplastic syndrome. Identifiers: Orphanet 140162, MedGen C0027672, MeSH D009386, MONDO:0015356.

Submission:

Ambry Genetics
Classification: Uncertain significance for Hereditary cancer-predisposing syndrome. Last evaluated: 2025-12-22. Review status: criteria provided, single submitter. Criteria: Ambry Variant Classification Scheme 2023. Collection method: clinical testing. Allele origin: germline.
Comment: The c.183C>T variant (also known as p.G61G), located in coding exon 2 of the POLE gene, results from a C to T substitution at nucleotide position 183. This nucleotide substitution does not change the glycine at codon 61. This nucleotide position is well conserved in available vertebrate species. In silico splice site analysis predicts that this alteration may weaken the native splice donor site and will result in the creation or strengthening of a novel splice donor site. Based on the available evidence, the clinical significance of this variant remains unclear.

NM_006231.4(POLE):c.183C>T (p.Gly61=)

Gene: POLE (DNA polymerase epsilon, catalytic subunit; minus strand). Cytogenetic location: 12q24.33.
Variant type: single nucleotide variant.
Coding change: c.183C>T on transcript NM_006231.4 (MANE Select); coding-DNA position 183, C replaced by T.
Protein change: p.Gly61=; no amino-acid change (glycine 61 retained).
Molecular consequence: synonymous variant.
Genome position (GRCh38, 1-based): chr12:132,681,159, G>A on the plus strand (C>T on the coding strand, the complement: POLE is on the minus strand). VCF-style: chr12-132681159-G-A. GRCh37 (hg19) VCF-style: chr12-133257745-G-A.
Identifiers: ClinVar variation 4841493 (VCV004841493.1).